The following is an entry in ClinVar:

NM_001206641.3(COA6):c.330G>A (p.Lys110=)

Gene: COA6 (cytochrome c oxidase assembly factor 6; plus strand). Cytogenetic location: 1q42.2.
Variant type: single nucleotide variant.
Coding change: c.330G>A on transcript NM_001206641.3 (MANE Select); coding-DNA position 330, G replaced by A.
Protein change: p.Lys110=; no amino-acid change (lysine 110 retained).
Molecular consequence: synonymous variant.
Genome position (GRCh38, 1-based): chr1:234,374,347, G>A. VCF-style: chr1-234374347-G-A. GRCh37 (hg19) VCF-style: chr1-234510093-G-A.
Other names: c.240G>A, p.Lys80= (NM_001012985.2); c.102G>A, p.Lys34= (NM_001301733.1).
Identifiers: ClinVar variation 3048883 (VCV003048883.4), dbSNP rs183815317, ClinGen allele CA1460057.

ClinVar aggregate classification (germline): Likely benign. Review status: criteria provided, single submitter (1 of 4 stars). 2 submissions from 2 submitters: Likely benign (1). 1 of the submissions does not count toward it. Last evaluated 2025-08-02.

Conditions:
COA6-related disorder. Also called: COA6-related condition.

Allele frequency attached by ClinVar (database versions not stated): 1000 Genomes Project 0.00020; ExAC 0.00011; 1000 Genomes Project 30x 0.00016; TOPMed 0.00051; ESP Exome Variant Server 0.00046; gnomAD 0.00049; gnomAD exomes 0.00004.
gnomAD v4.1: 129 of 1,614,068 alleles (0.008%); highest among the groups gnomAD compares: African/African-American, 0.16%; no homozygotes.

Submissions (2):

Labcorp Genetics (formerly Invitae), Labcorp
Classification: Likely benign. Last evaluated: 2025-08-02. Review status: criteria provided, single submitter. Criteria: Invitae Variant Classification Sherloc (09022015). Collection method: clinical testing. Allele origin: germline.

PreventionGenetics, part of Exact Sciences
Classification: Likely benign for COA6-related condition. Last evaluated: 2019-12-12. Review status: no assertion criteria provided. Collection method: clinical testing. Allele origin: germline. Not counted in ClinVar's aggregate classification.
Comment: This variant is classified as likely benign based on ACMG/AMP sequence variant interpretation guidelines (Richards et al. 2015 PMID: 25741868, with internal and published modifications).